The following is an entry in ClinVar:

NM_018136.5(ASPM):c.6682_6683del (p.Glu2228fs)

Gene: ASPM (assembly factor for spindle microtubules; minus strand). Cytogenetic location: 1q31.3.
Variant type: Deletion.
Coding change: c.6682_6683del on transcript NM_018136.5 (MANE Select); coding-DNA positions 6682 to 6683, 2 bases deleted (GA; older notation c.6682_6683delGA).
Protein change: p.Glu2228fs; shifts the reading frame from glutamic acid 2228.
Molecular consequence: frameshift variant. On other transcripts: intron variant (1).
Genome position (GRCh38, 1-based): chr1:197,102,568-197,102,569, TC deleted on the plus strand (GA on the coding strand, the reverse complement: ASPM is on the minus strand); deleting any 2 consecutive bases within chr1:197,102,568-197,102,570 gives the same sequence; the c. name uses the placement nearest the transcript's 3' end. VCF-style (leftmost placement, unchanged base first): chr1-197102567-TTC-T. GRCh37 (hg19) VCF-style: chr1-197071697-TTC-T.
Other names: c.4066-6405_4066-6404del (NM_001206846.2); short protein forms E2228fs.
Identifiers: ClinVar variation 4728322 (VCV004728322.1).

ClinVar aggregate classification (germline): Pathogenic (1 of 4 stars; one submission).

Submission:

Labcorp Genetics (formerly Invitae), Labcorp
Classification: Pathogenic. Last evaluated: 2025-10-08. Review status: criteria provided, single submitter. Criteria: Invitae Variant Classification Sherloc (09022015). Collection method: clinical testing. Allele origin: germline.
Comment: This sequence change creates a premature translational stop signal (p.Glu2228Lysfs*9) in the ASPM gene. It is expected to result in an absent or disrupted protein product. Loss-of-function variants in ASPM are known to be pathogenic (PMID: 19028728, 23611254). This variant is not present in population databases (gnomAD no frequency). This variant has not been reported in the literature in individuals affected with ASPM-related conditions. For these reasons, this variant has been classified as Pathogenic.

Literature cited by the submitters: PubMed 19028728; PubMed 23611254.